The following is an entry in ClinVar:

ClinVar aggregate classification (germline): Uncertain significance. Review status: criteria provided, multiple submitters, no conflicts (2 of 4 stars). 3 submissions from 3 submitters: Uncertain significance (2). 1 of the submissions does not count toward it. Last evaluated 2025-08-21.

Conditions:
MCM2-related disorder. Also called: MCM2-related condition.

Allele frequency attached by ClinVar (database versions not stated): gnomAD exomes 0.00001 and 0.00003; gnomAD 0.00003; TOPMed 0.00003; ExAC 0.00004.
gnomAD v4.1: 21 of 1,612,928 alleles (0.0013%); highest among the groups gnomAD compares: African/African-American, 0.0027%; no homozygotes.

Submissions (3):

Ambry Genetics
Classification: Uncertain significance. Last evaluated: 2025-08-21. Review status: criteria provided, single submitter. Criteria: Ambry Variant Classification Scheme 2023. Collection method: clinical testing. Allele origin: germline.

Labcorp Genetics (formerly Invitae), Labcorp
Classification: Uncertain significance. Last evaluated: 2025-02-27. Review status: criteria provided, single submitter. Criteria: Invitae Variant Classification Sherloc (09022015). Collection method: clinical testing. Allele origin: germline.
Comment: This sequence change replaces arginine, which is basic and polar, with histidine, which is basic and polar, at codon 636 of the MCM2 protein (p.Arg636His). This variant is present in population databases (rs768322698, gnomAD 0.006%). This variant has not been reported in the literature in individuals affected with MCM2-related conditions. ClinVar contains an entry for this variant (Variation ID: 1405432). Invitae Evidence Modeling of protein sequence and biophysical properties (such as structural, functional, and spatial information, amino acid conservation, physicochemical variation, residue mobility, and thermodynamic stability) has been performed for this missense variant. However, the output from this modeling did not meet the statistical confidence thresholds required to predict the impact of this variant on MCM2 protein function. In summary, the available evidence is currently insufficient to determine the role of this variant in disease. Therefore, it has been classified as a Variant of Uncertain Significance.

PreventionGenetics, part of Exact Sciences
Classification: Uncertain significance for MCM2-related condition. Last evaluated: 2024-02-29. Review status: no assertion criteria provided. Collection method: clinical testing. Allele origin: germline. Not counted in ClinVar's aggregate classification.
Comment: The MCM2 c.1907G>A variant is predicted to result in the amino acid substitution p.Arg636His. To our knowledge, this variant has not been reported in the literature. This variant is reported in 0.0054% of alleles in individuals of European (Non-Finnish) descent in gnomAD. At this time, the clinical significance of this variant is uncertain due to the absence of conclusive functional and genetic evidence.

NM_004526.4(MCM2):c.1907G>A (p.Arg636His)

Gene: MCM2 (minichromosome maintenance complex component 2; plus strand). Cytogenetic location: 3q21.3.
Variant type: single nucleotide variant.
Coding change: c.1907G>A on transcript NM_004526.4 (MANE Select); coding-DNA position 1907, G replaced by A.
Protein change: p.Arg636His; replaces arginine 636 with histidine.
Molecular consequence: missense variant. On other transcripts: non-coding transcript variant (1).
Genome position (GRCh38, 1-based): chr3:127,617,975, G>A. VCF-style: chr3-127617975-G-A. GRCh37 (hg19) VCF-style: chr3-127336818-G-A.
Other names: c.1907G>A (NM_004526.3, NM_004526.2); short protein forms R636H.
Identifiers: ClinVar variation 1405432 (VCV001405432.11), dbSNP rs768322698, ClinGen allele CA2596061.
Genomic context (GRCh38, chr3:127,617,975, plus strand): 5'-GAGATGGGAGGATAGGGGAATCCACCCTGATGGAGGTGCTCCCCTGTGTTTCAGGAGGGC[G>A]CTACGACCCCTCGCTGACTTTCTCTGAGAACGTGGACCTCACAGAGCCCATCATCTCACG-3'
Protein context (NP_004517.2, residues 626-646): VIAAANPIGG[Arg636His]YDPSLTFSEN